The following is an entry in ClinVar:

ClinVar aggregate classification (germline): Pathogenic (1 of 4 stars; one submission).

Conditions:
Hereditary sensory and autonomic neuropathy type 6. Also called: HSAN VI; Neuropathy, hereditary sensory and autonomic, type VI. Identifiers: Orphanet 314381, MedGen C3539003, MONDO:0013839, OMIM 614653.
Epidermolysis bullosa simplex 3, localized or generalized intermediate, with BP230 deficiency (EBS3). Also called: Epidermolysis bullosa simplex, autosomal recessive 2; Epidermolysis bullosa simplex due to BP230 deficiency. Identifiers: Orphanet 412181, MedGen C3809470, MONDO:0014180, OMIM 615425.

Allele frequency attached by ClinVar (database versions not stated): gnomAD exomes below 0.00001.

Submission:

Labcorp Genetics (formerly Invitae), Labcorp
Classification: Pathogenic for Epidermolysis bullosa simplex 3, localized or generalized intermediate, with BP230 deficiency; Hereditary sensory and autonomic neuropathy type 6. Last evaluated: 2023-05-25. Review status: criteria provided, single submitter. Criteria: Invitae Variant Classification Sherloc (09022015). Collection method: clinical testing. Allele origin: germline.
Comment: For these reasons, this variant has been classified as Pathogenic. This variant has not been reported in the literature in individuals affected with DST-related conditions. This variant is not present in population databases (gnomAD no frequency). This sequence change creates a premature translational stop signal (p.Ile1728*) in the DST gene. It is expected to result in an absent or disrupted protein product. Loss-of-function variants in DST are known to be pathogenic (PMID: 22522446, 25059916, 30371979).

Literature cited by the submitters: PubMed 22522446; PubMed 25059916; PubMed 30371979.

NM_001723.7(DST):c.5182del (p.Thr1727_Ile1728insTer)

Gene: DST (dystonin; minus strand). Cytogenetic location: 6p12.1.
Variant type: Deletion.
Coding change: c.5182del on transcript NM_001723.7 (MANE Plus Clinical); coding-DNA position 5182, one base deleted (A; older notation c.5182delA).
Protein change: p.Thr1727_Ile1728insTer.
Molecular consequence: nonsense. On other transcripts: intron variant (10).
Genome position (GRCh38, 1-based): chr6:56,618,852, T deleted on the plus strand (A on the coding strand, the reverse complement: DST is on the minus strand). VCF-style (leftmost placement, unchanged base first): chr6-56618851-AT-A. GRCh37 (hg19) VCF-style: chr6-56483649-AT-A.
Other names: c.4831-4368del (NM_001144769.5); c.4930-4368del (NM_001374722.1, NM_001374736.1); c.4957-4368del (NM_001374734.1); c.4417-4368del (NM_001144770.2); c.4297-4368del (NM_001374730.1, NM_001386100.1, NM_183380.4 and 1 more transcripts); c.3319-4368del (NM_015548.5).
Identifiers: ClinVar variation 2939057 (VCV002939057.3), dbSNP rs2536688599, ClinGen allele CA2679214857.